The following is an entry in ClinVar:

NM_017514.5(PLXNA3):c.743C>T (p.Thr248Met)

Gene: PLXNA3 (plexin A3; plus strand). Cytogenetic location: Xq28.
Variant type: single nucleotide variant.
Coding change: c.743C>T on transcript NM_017514.5 (MANE Select); coding-DNA position 743, C replaced by T.
Protein change: p.Thr248Met; replaces threonine 248 with methionine.
Molecular consequence: missense variant.
Genome position (GRCh38, 1-based): chrX:154,461,247, C>T. VCF-style: chrX-154461247-C-T. GRCh37 (hg19) VCF-style: chrX-153689587-C-T.
Other names: short protein forms T248M.
Identifiers: ClinVar variation 3215574 (VCV003215574.2), dbSNP rs200019038, ClinGen allele CA10563797.

ClinVar aggregate classification (germline): Uncertain significance. Review status: criteria provided, single submitter (1 of 4 stars). 2 submissions from 2 submitters: Uncertain significance (1). 1 of the submissions does not count toward it. Last evaluated 2024-01-08.

Conditions:
PLXNA3-related disorder. Also called: PLXNA3-related condition.

Allele frequency attached by ClinVar (database versions not stated): TOPMed 0.00009; gnomAD exomes 0.00010; ExAC 0.00011; gnomAD 0.00013.
gnomAD v4.1: 118 of 1,211,678 alleles (0.0097%); highest among the groups gnomAD compares: Middle Eastern, 0.023%; no homozygotes.

Submissions (2):

Ambry Genetics
Classification: Uncertain significance. Last evaluated: 2024-01-08. Review status: criteria provided, single submitter. Criteria: Ambry Variant Classification Scheme 2023. Collection method: clinical testing. Allele origin: germline.

PreventionGenetics, part of Exact Sciences
Classification: Uncertain significance for PLXNA3-related condition. Last evaluated: 2024-06-15. Review status: no assertion criteria provided. Collection method: clinical testing. Allele origin: germline. Not counted in ClinVar's aggregate classification.
Comment: The PLXNA3 c.743C>T variant is predicted to result in the amino acid substitution p.Thr248Met. To our knowledge, this variant has not been reported in the literature. This variant is reported in 0.021% of alleles in individuals of European (Finnish) descent in gnomAD, including 8 hemizygous individuals. Although we suspect that this variant may be benign, at this time, the clinical significance of this variant is uncertain due to the absence of conclusive functional and genetic evidence.